The following is an entry in ClinVar:

ClinVar aggregate classification (germline): Uncertain significance. Review status: criteria provided, multiple submitters, no conflicts (2 of 4 stars). 5 submissions from 3 submitters: Uncertain significance (5). Last evaluated 2024-05-06.

Conditions:
Intellectual developmental disorder with epilepsy, behavioral abnormalities, and coarse facies. Identifiers: MedGen C5436646, MONDO:0033572, OMIM 619031.
Myopathy, epilepsy, and progressive cerebral atrophy. Identifiers: MedGen C5436652, MONDO:0033619, OMIM 619036.
Inborn genetic diseases. Identifiers: MedGen C0950123, MeSH D030342.
Congenital myasthenic syndrome 15. Also called: Myasthenic syndrome, congenital, 15, without tubular aggregates. Identifiers: Orphanet 353327, Orphanet 590, MedGen C4015596, MONDO:0014542, OMIM 616227.

Allele frequency attached by ClinVar (database versions not stated): 1000 Genomes Project 30x 0.00016; 1000 Genomes Project 0.00020; gnomAD exomes 0.00042 and 0.00057; ExAC 0.00052; gnomAD 0.00056 and 0.00061; TOPMed 0.00057; ESP Exome Variant Server 0.00085.
gnomAD v4.1: 894 of 1,613,812 alleles (0.055%); highest among the groups gnomAD compares: Admixed American, 0.075%; no homozygotes.

Submissions (5):

Ambry Genetics
Classification: Uncertain significance for Inborn genetic diseases. Last evaluated: 2024-05-06. Review status: criteria provided, single submitter. Criteria: Ambry Variant Classification Scheme 2023. Collection method: clinical testing. Allele origin: germline.

Genome-Nilou Lab
Classification: Uncertain significance for Congenital myasthenic syndrome 15. Last evaluated: 2023-04-11. Review status: criteria provided, single submitter. Criteria: ACMG Guidelines, 2015. Collection method: clinical testing. Allele origin: germline. Affected: no.

Genome-Nilou Lab
Classification: Uncertain significance for Intellectual developmental disorder with epilepsy, behavioral abnormalities, and coarse facies. Last evaluated: 2023-04-11. Review status: criteria provided, single submitter. Criteria: ACMG Guidelines, 2015. Collection method: clinical testing. Allele origin: germline. Affected: no.

Genome-Nilou Lab
Classification: Uncertain significance for Myopathy, epilepsy, and progressive cerebral atrophy. Last evaluated: 2023-04-11. Review status: criteria provided, single submitter. Criteria: ACMG Guidelines, 2015. Collection method: clinical testing. Allele origin: germline. Affected: no.

Labcorp Genetics (formerly Invitae), Labcorp
Classification: Uncertain significance for Congenital myasthenic syndrome 15. Last evaluated: 2022-10-31. Review status: criteria provided, single submitter. Criteria: Invitae Variant Classification Sherloc (09022015). Collection method: clinical testing. Allele origin: germline.
Comment: This sequence change replaces asparagine, which is neutral and polar, with serine, which is neutral and polar, at codon 61 of the ALG14 protein (p.Asn61Ser). This variant is present in population databases (rs138996965, gnomAD 0.07%). This variant has not been reported in the literature in individuals affected with ALG14-related conditions. ClinVar contains an entry for this variant (Variation ID: 542122). Algorithms developed to predict the effect of missense changes on protein structure and function output the following: SIFT: "Tolerated"; PolyPhen-2: "Benign"; Align-GVGD: "Class C0". The serine amino acid residue is found in multiple mammalian species, which suggests that this missense change does not adversely affect protein function. In summary, the available evidence is currently insufficient to determine the role of this variant in disease. Therefore, it has been classified as a Variant of Uncertain Significance.

NM_144988.4(ALG14):c.182A>G (p.Asn61Ser)

Genes: ALG14 (ALG14 UDP-N-acetylglucosaminyltransferase subunit; minus strand), ALG14-AS1 (ALG14 antisense RNA 1; plus strand). Cytogenetic location: 1p21.3.
Variant type: single nucleotide variant.
Coding change: c.182A>G on transcript NM_144988.4 (MANE Select); coding-DNA position 182, A replaced by G.
Protein change: p.Asn61Ser; replaces asparagine 61 with serine.
Molecular consequence: missense variant.
Genome position (GRCh38, 1-based): chr1:95,064,972, T>C on the plus strand (A>G on the coding strand, the complement: ALG14 is on the minus strand). VCF-style: chr1-95064972-T-C. GRCh37 (hg19) VCF-style: chr1-95530528-T-C.
Other names: c.182A>G, p.Asn61Ser (NM_001305242.2); short protein forms N61S.
Identifiers: ClinVar variation 542122 (VCV000542122.7), dbSNP rs138996965, ClinGen allele CA961850.
Genomic context (GRCh38, chr1:95,064,972, plus strand): 5'-ATTTTATTGGCACTCATTTCATCAGTGTCAGCAATGACATAATGTCTAGGTGAGTAGGCA[T>C]TGGACAAGCTCCCAAGCAGCCTCAGGATCTCAGTGGTATGCCCACCTGGAAAAAATATCA-3'
Protein context (NP_659425.1, residues 51-71): EILRLLGSLS[Asn61Ser]AYSPRHYVIA